The following is an entry in ClinVar:

NM_001267727.2(ARSG):c.331G>A (p.Val111Met)

Gene: ARSG (arylsulfatase G; plus strand). Cytogenetic location: 17q24.2.
Variant type: single nucleotide variant.
Coding change: c.331G>A on transcript NM_001267727.2 (MANE Select); coding-DNA position 331, G replaced by A.
Protein change: p.Val111Met; replaces valine 111 with methionine.
Molecular consequence: missense variant.
Genome position (GRCh38, 1-based): chr17:68,343,716, G>A. VCF-style: chr17-68343716-G-A. GRCh37 (hg19) VCF-style: chr17-66339857-G-A.
Other names: c.331G>A, p.Val111Met (NM_001352909.2, NM_001352910.2, NM_014960.5 and 9 more transcripts); short protein forms V111M.
Identifiers: ClinVar variation 1714982 (VCV001714982.5), dbSNP rs761490671, ClinGen allele CA8728166.

ClinVar aggregate classification (germline): Uncertain significance (1 of 4 stars; one submission).

Allele frequency attached by ClinVar (database versions not stated): gnomAD exomes 0.00003; TOPMed below 0.00001; ExAC 0.00001.
gnomAD v4.1: 41 of 1,614,222 alleles (0.0025%); highest among the groups gnomAD compares: Non-Finnish European, 0.0035%; no homozygotes.

Submission:

Labcorp Genetics (formerly Invitae), Labcorp
Classification: Uncertain significance. Last evaluated: 2025-06-01. Review status: criteria provided, single submitter. Criteria: Invitae Variant Classification Sherloc (09022015). Collection method: clinical testing. Allele origin: germline.
Comment: This sequence change replaces valine, which is neutral and non-polar, with methionine, which is neutral and non-polar, at codon 111 of the ARSG protein (p.Val111Met). This variant is present in population databases (rs761490671, gnomAD 0.003%). This variant has not been reported in the literature in individuals affected with ARSG-related conditions. ClinVar contains an entry for this variant (Variation ID: 1714982). Invitae Evidence Modeling of protein sequence and biophysical properties (such as structural, functional, and spatial information, amino acid conservation, physicochemical variation, residue mobility, and thermodynamic stability) indicates that this missense variant is not expected to disrupt ARSG protein function with a negative predictive value of 80%. In summary, the available evidence is currently insufficient to determine the role of this variant in disease. Therefore, it has been classified as a Variant of Uncertain Significance.